The following is an entry in ClinVar:

ClinVar aggregate classification (germline): Uncertain significance. Review status: criteria provided, multiple submitters, no conflicts (2 of 4 stars). 2 submissions from 2 submitters: Uncertain significance (2). Last evaluated 2024-06-24.

Conditions:
Van Maldergem syndrome 2 (VMLDS2). Identifiers: Orphanet 314679, MedGen C3809875, MONDO:0014242, OMIM 615546.
Hennekam lymphangiectasia-lymphedema syndrome 2 (HKLLS2). Identifiers: Orphanet 2136, MedGen C4014939, MONDO:0014454, OMIM 616006.

Allele frequency attached by ClinVar (database versions not stated): ExAC 0.00002; 1000 Genomes Project 30x 0.00016; 1000 Genomes Project 0.00020.
gnomAD v4.1: 16 of 1,606,236 alleles (0.001%); highest among the groups gnomAD compares: East Asian, 0.031%; no homozygotes.

Submissions (2):

Fulgent Genetics
Classification: Uncertain significance for Van Maldergem syndrome 2; Hennekam lymphangiectasia-lymphedema syndrome 2. Last evaluated: 2024-06-24. Review status: criteria provided, single submitter. Criteria: ACMG Guidelines, 2015. Collection method: clinical testing. Allele origin: germline.

Labcorp Genetics (formerly Invitae), Labcorp
Classification: Uncertain significance. Last evaluated: 2022-04-11. Review status: criteria provided, single submitter. Criteria: Invitae Variant Classification Sherloc (09022015). Collection method: clinical testing. Allele origin: germline.
Comment: In summary, the available evidence is currently insufficient to determine the role of this variant in disease. Therefore, it has been classified as a Variant of Uncertain Significance. Advanced modeling of protein sequence and biophysical properties (such as structural, functional, and spatial information, amino acid conservation, physicochemical variation, residue mobility, and thermodynamic stability) performed at Invitae indicates that this missense variant is not expected to disrupt FAT4 protein function. This variant has not been reported in the literature in individuals affected with FAT4-related conditions. This variant is present in population databases (rs574038979, gnomAD 0.02%). This sequence change replaces alanine, which is neutral and non-polar, with threonine, which is neutral and polar, at codon 1984 of the FAT4 protein (p.Ala1984Thr).

NM_001291303.3(FAT4):c.5950G>A (p.Ala1984Thr)

Gene: FAT4 (FAT atypical cadherin 4; plus strand). Cytogenetic location: 4q28.1.
Variant type: single nucleotide variant.
Coding change: c.5950G>A on transcript NM_001291303.3 (MANE Select); coding-DNA position 5950, G replaced by A.
Protein change: p.Ala1984Thr; replaces alanine 1984 with threonine.
Molecular consequence: missense variant.
Genome position (GRCh38, 1-based): chr4:125,414,913, G>A. VCF-style: chr4-125414913-G-A. GRCh37 (hg19) VCF-style: chr4-126336068-G-A.
Other names: c.5950G>A, p.Ala1984Thr (NM_001291285.3, NM_024582.6); c.5950G>A (NM_024582.5); short protein forms A1984T.
Identifiers: ClinVar variation 1910128 (VCV001910128.5), dbSNP rs574038979, ClinGen allele CA3072844.